The following is an entry in ClinVar:

NM_000238.4(KCNH2):c.515C>T (p.Ala172Val)

Gene: KCNH2 (potassium voltage-gated channel subfamily H member 2; minus strand). Cytogenetic location: 7q36.1.
Variant type: single nucleotide variant.
Coding change: c.515C>T on transcript NM_000238.4 (MANE Select); coding-DNA position 515, C replaced by T.
Protein change: p.Ala172Val; replaces alanine 172 with valine.
Molecular consequence: missense variant.
Genome position (GRCh38, 1-based): chr7:150,958,460, G>A on the plus strand (C>T on the coding strand, the complement: KCNH2 is on the minus strand). VCF-style: chr7-150958460-G-A. GRCh37 (hg19) VCF-style: chr7-150655548-G-A.
Other names: p.A172V:GCG>GTG; c.227C>T, p.Ala76Val (NM_001406753.1, NM_001406756.1); c.338C>T, p.Ala113Val (NM_001406755.1); c.215C>T, p.Ala72Val (NM_001406757.1); c.515C>T, p.Ala172Val (NM_172056.3); short protein forms A172V, A72V, A76V, A113V.
Identifiers: ClinVar variation 200290 (VCV000200290.6), dbSNP rs794728355, ClinGen allele CA008531.

ClinVar aggregate classification (germline): Uncertain significance. Review status: criteria provided, multiple submitters, no conflicts (2 of 4 stars). 3 submissions from 3 submitters: Uncertain significance (3). Last evaluated 2025-04-09.

Conditions:
Cardiovascular phenotype. Identifiers: MedGen CN230736.

Submissions (3):

Molecular Diagnostic Laboratory for Inherited Cardiovascular Disease, Montreal Heart Institute
Classification: Uncertain significance for Cardiovascular phenotype. Last evaluated: 2025-04-09. Review status: criteria provided, single submitter. Criteria: ACMG Guidelines, 2015. Collection method: clinical testing. Allele origin: germline. Affected: yes.

Clinical Genetics Laboratory, Skane University Hospital Lund
Classification: Uncertain significance. Last evaluated: 2022-05-27. Review status: criteria provided, single submitter. Criteria: ACMG Guidelines, 2015. Collection method: clinical testing. Allele origin: germline. Affected: yes.

GeneDx
Classification: Uncertain significance. Last evaluated: 2013-11-05. Review status: criteria provided, single submitter. Criteria: GeneDx Variant Classification (06012015). Collection method: clinical testing. Allele origin: germline. Affected: yes.
Comment: p.Ala172Val (GCG>GTG): c.515 C>T in exon 4 of the KCNH2 gene (NM_000238.2). The Ala172Val variant in the KCNH2 gene has not been reported as a disease-causing mutation or as a benign polymorphism to our knowledge. Ala172Val results in a conservative amino acid substitution of one non-polar amino acid for another at a position that is conserved across species. In silico analysis was inconsistent with regard to the effect this variant may have on protein function. A mutation in a nearby residue (Arg164His) has been reported in association with LQTS, supporting the functional importance of this region of the protein. The Ala172Val variant was not observed in approximately 4,500 individuals of European and African American ancestry in the NHLBI Exome Sequencing Project, indicating it is not a common benign variant in these populations.With the clinical and molecular information available at this time, we cannot definitively determine if Ala172Val is a disease-causing mutation or a rare benign variant. The variant is found in LQT panel(s).